The following is an entry in ClinVar:

ClinVar aggregate classification (germline): Likely benign (1 of 4 stars; one submission).

Allele frequency attached by ClinVar (database versions not stated): 1000 Genomes Project 30x 0.00016; 1000 Genomes Project 0.00020; ESP Exome Variant Server 0.00046.
gnomAD v4.1: 707 of 1,613,418 alleles (0.044%); highest among the groups gnomAD compares: Middle Eastern, 0.36%; 1 homozygote.

Submission:

CeGaT Center for Human Genetics Tuebingen
Classification: Likely benign. Last evaluated: 2023-10-01. Review status: criteria provided, single submitter. Criteria: CeGaT Center For Human Genetics Tuebingen Variant Classification Criteria Version 2. Collection method: clinical testing. Allele origin: germline. Affected: yes. Observed: 1 variant allele.
Comment: SMURF1: BP4, BP7

NM_181349.3(SMURF1):c.1353G>A (p.Pro451=)

Gene: SMURF1 (SMAD specific E3 ubiquitin protein ligase 1; minus strand). Cytogenetic location: 7q22.1.
Variant type: single nucleotide variant.
Coding change: c.1353G>A on transcript NM_181349.3 (MANE Select); coding-DNA position 1353, G replaced by A.
Protein change: p.Pro451=; no amino-acid change (proline 451 retained).
Molecular consequence: synonymous variant.
Genome position (GRCh38, 1-based): chr7:99,042,136, C>T on the plus strand (G>A on the coding strand, the complement: SMURF1 is on the minus strand). VCF-style: chr7-99042136-C-T. GRCh37 (hg19) VCF-style: chr7-98639759-C-T.
Other names: c.1353G>A, p.Pro451= (NM_001199847.2); c.1431G>A, p.Pro477= (NM_020429.3).
Identifiers: ClinVar variation 2657717 (VCV002657717.24), dbSNP rs149320056, ClinGen allele CA4362552.